The following is an entry in ClinVar:

NM_000245.4(MET):c.3522+12G>T

Gene: MET (MET proto-oncogene, receptor tyrosine kinase; plus strand). Cytogenetic location: 7q31.2.
Variant type: single nucleotide variant.
Coding change: c.3522+12G>T on transcript NM_000245.4 (MANE Select); 12 bases into the intron after coding-DNA position 3522, G replaced by T.
Molecular consequence: intron variant.
Genome position (GRCh38, 1-based): chr7:116,778,969, G>T. VCF-style: chr7-116778969-G-T. GRCh37 (hg19) VCF-style: chr7-116419023-G-T.
Other names: c.3576+12G>T (LRG_662t1, NM_001127500.3); c.2232+12G>T (NM_001324402.2).
Identifiers: ClinVar variation 358692 (VCV000358692.18), dbSNP rs200624981, ClinGen allele CA4448734.

ClinVar aggregate classification (germline): Benign/Likely benign. Review status: criteria provided, multiple submitters, no conflicts (2 of 4 stars). 5 submissions from 5 submitters: Benign (2); Likely benign (3). Last evaluated 2026-01-28.

Conditions:
Papillary renal cell carcinoma type 1 (RCCP1). Also called: RENAL CELL CARCINOMA, PAPILLARY, 1, SOMATIC; Renal adenocarcinoma; Renal cell carcinoma 1; Renal cell carcinoma, somatic. Identifiers: Orphanet 47044, MedGen C1336839, OMIM 605074, HP:0011797.
Renal cell carcinoma. Identifiers: Orphanet 217071, MedGen C0007134, MeSH D002292, MONDO:0005086, HP:0005584.

Allele frequency attached by ClinVar (database versions not stated): gnomAD exomes 0.00018 and 0.00030; TOPMed 0.00018; gnomAD 0.00019 and 0.00021; ExAC 0.00029; ESP Exome Variant Server 0.00042; 1000 Genomes Project 0.00060; 1000 Genomes Project 30x 0.00109.
gnomAD v4.1: 319 of 1,613,274 alleles (0.02%); highest among the groups gnomAD compares: Non-Finnish European, 0.016%; no homozygotes.

Submissions (5):

Labcorp Genetics (formerly Invitae), Labcorp
Classification: Benign for Renal cell carcinoma. Last evaluated: 2026-01-28. Review status: criteria provided, single submitter. Criteria: Invitae Variant Classification Sherloc (09022015). Collection method: clinical testing. Allele origin: germline.

Center for Genomic Medicine, Rigshospitalet, Copenhagen University Hospital
Classification: Likely benign. Last evaluated: 2025-03-04. Review status: criteria provided, single submitter. Criteria: ACMG Guidelines, 2015. Collection method: clinical testing. Allele origin: germline.

Blueprint Genetics
Classification: Likely benign. Last evaluated: 2024-11-20. Review status: criteria provided, single submitter. Criteria: ACMG Guidelines, 2015. Collection method: clinical testing. Allele origin: germline.

Illumina Laboratory Services, Illumina
Classification: Benign for Papillary renal cell carcinoma type 1. Last evaluated: 2018-01-12. Review status: criteria provided, single submitter. Criteria: ICSL Variant Classification Criteria 13 December 2019. Collection method: clinical testing. Allele origin: germline.
Comment: This variant was observed in the ICSL laboratory as part of a predisposition screen in an ostensibly healthy population. It had not been previously curated by ICSL or reported in the Human Gene Mutation Database (HGMD: prior to June 1st, 2018), and was therefore a candidate for classification through an automated scoring system. Utilizing variant allele frequency, disease prevalence and penetrance estimates, and inheritance mode, an automated score was calculated to assess if this variant is too frequent to cause the disease. Based on the score and internal cut-off values, a variant classified as benign is not then subjected to further curation. The score for this variant resulted in a classification of benign for this disease.

GeneDx
Classification: Likely benign. Last evaluated: 2017-10-16. Review status: criteria provided, single submitter. Criteria: GeneDx Variant Classification (06012015). Collection method: clinical testing. Allele origin: germline. Affected: yes.
Comment: This variant is considered likely benign or benign based on one or more of the following criteria: it is a conservative change, it occurs at a poorly conserved position in the protein, it is predicted to be benign by multiple in silico algorithms, and/or has population frequency not consistent with disease.